The following is an entry in ClinVar:

ClinVar aggregate classification (germline): Pathogenic (1 of 4 stars; one submission).

Conditions:
Hereditary nonpolyposis colorectal neoplasms. Identifiers: MedGen C0009405, MeSH D003123.

Submission:

Labcorp Genetics (formerly Invitae), Labcorp
Classification: Pathogenic for Hereditary nonpolyposis colon cancer. Last evaluated: 2018-05-13. Review status: criteria provided, single submitter. Criteria: Invitae Variant Classification Sherloc (09022015). Collection method: clinical testing. Allele origin: germline.
Comment: A gross deletion of the genomic region encompassing the full coding sequence of the MSH6 gene has been identified. The boundaries of this event are unknown as the deletion extends beyond the assayed region for this gene and therefore may encompass additional genes. Deletion of the entire MSH6 gene has been reported in individuals affected with endometrial cancer and colorectal cancer (PMID: 24323032, 28135145) and in a family from the Danish hereditary nonpolyposis colorectal cancer (HNPCC) register (PMID: 18566915). Loss-of-function variants in MSH6 are known to be pathogenic (PMID: 18269114, 24362816). For these reasons, this variant has been classified as Pathogenic.

Literature cited by the submitters: PubMed 28135145; PubMed 18566915; PubMed 24323032.

NC_000002.12:g.(?_47783224)_(47806870_?)del

Genes: MSH6 (mutS homolog 6; plus strand), LOC129933707 (ATAC-STARR-seq lymphoblastoid silent region 11468; plus strand), LOC129933708 (ATAC-STARR-seq lymphoblastoid silent region 11469; plus strand). Cytogenetic location: 2p16.3.
Variant type: Deletion.
Identifiers: ClinVar variation 584300 (VCV000584300.1).